The following is an entry in ClinVar:

ClinVar aggregate classification (germline): Benign/Likely benign. Review status: criteria provided, multiple submitters, no conflicts (2 of 4 stars). 10 submissions from 10 submitters: Benign (6); Likely benign (4). Last evaluated 2026-06-01.

Conditions:
Tuberous sclerosis 2 (TSC2). Identifiers: Orphanet 805, MedGen C1860707, MONDO:0013199, OMIM 613254.
TSC2-related disorder. Also called: TSC2-related condition; TSC2-Related Disorders.
Hereditary cancer-predisposing syndrome. Also called: Tumor predisposition; Hereditary Cancer Syndrome; Hereditary neoplastic syndrome; Neoplastic Syndromes, Hereditary. Identifiers: Orphanet 140162, MedGen C0027672, MeSH D009386, MONDO:0015356.
Tuberous sclerosis syndrome (TSC). Also called: Tuberous Sclerosis Complex; Tuberous sclerosis. Identifiers: Orphanet 805, MedGen C0041341, MONDO:0001734.

Allele frequency attached by ClinVar (database versions not stated): gnomAD exomes 0.00002 and 0.00004; ExAC 0.00007; gnomAD 0.00010 and 0.00011; TOPMed 0.00010; 1000 Genomes Project 30x 0.00016; 1000 Genomes Project 0.00020; ESP Exome Variant Server 0.00031.
gnomAD v4.1: 45 of 1,612,988 alleles (0.0028%); highest among the groups gnomAD compares: African/African-American, 0.021%; no homozygotes.

Submissions (10):

CeGaT Center for Human Genetics Tuebingen
Classification: Likely benign. Last evaluated: 2026-06-01. Review status: criteria provided, single submitter. Criteria: CeGaT Center For Human Genetics Tuebingen Variant Classification Criteria Version 2. Collection method: clinical testing. Allele origin: germline. Affected: yes. Observed: 2 variant alleles.
Comment: TSC2: BP4, BP7

Labcorp Genetics (formerly Invitae), Labcorp
Classification: Benign for Tuberous sclerosis 2. Last evaluated: 2026-02-03. Review status: criteria provided, single submitter. Criteria: Invitae Variant Classification Sherloc (09022015). Collection method: clinical testing. Allele origin: germline.

PreventionGenetics, part of Exact Sciences
Classification: Likely benign for TSC2-related condition. Last evaluated: 2026-02-03. Review status: criteria provided, single submitter. Criteria: ACMG Guidelines, 2015. Collection method: clinical testing. Allele origin: germline.
Comment: This variant is classified as likely benign based on ACMG/AMP sequence variant interpretation guidelines (Richards et al. 2015 PMID: 25741868, with internal and published modifications).

Myriad Genetics, Inc.
Classification: Benign for Tuberous sclerosis 2. Last evaluated: 2025-05-27. Review status: criteria provided, single submitter. Criteria: Myriad Autosomal Dominant, Autosomal Recessive and X-Linked Classification Criteria (2023). Collection method: clinical testing. Allele origin: unknown.
Comment: This variant is considered benign. This variant is a silent/synonymous amino acid change and it is not expected to impact splicing.

Blueprint Genetics
Classification: Likely benign. Last evaluated: 2024-08-30. Review status: criteria provided, single submitter. Criteria: ACMG Guidelines, 2015. Collection method: clinical testing. Allele origin: germline.

Color Diagnostics, LLC DBA Color Health
Classification: Benign for Tuberous sclerosis syndrome. Last evaluated: 2022-09-28. Review status: criteria provided, single submitter. Criteria: ACMG Guidelines, 2015. Collection method: clinical testing. Allele origin: germline.

Genome-Nilou Lab
Classification: Benign for Tuberous sclerosis 2. Last evaluated: 2021-11-07. Review status: criteria provided, single submitter. Criteria: ACMG Guidelines, 2015. Collection method: clinical testing. Allele origin: germline. Affected: no.

Sema4
Classification: Benign for Hereditary cancer-predisposing syndrome. Last evaluated: 2020-10-07. Review status: criteria provided, single submitter. Criteria: Sema4 Curation Guidelines. Collection method: curation. Allele origin: germline.

Ambry Genetics
Classification: Likely benign for Hereditary cancer-predisposing syndrome. Last evaluated: 2017-12-19. Review status: criteria provided, single submitter. Criteria: Ambry Variant Classification Scheme 2023. Collection method: clinical testing. Allele origin: germline.

GeneDx
Classification: Benign. Last evaluated: 2015-06-16. Review status: criteria provided, single submitter. Criteria: GeneDx Variant Classification (06012015). Collection method: clinical testing. Allele origin: germline. Affected: yes.
Comment: This variant is considered likely benign or benign based on one or more of the following criteria: it is a conservative change, it occurs at a poorly conserved position in the protein, it is predicted to be benign by multiple in silico algorithms, and/or has population frequency not consistent with disease.

NM_000548.5(TSC2):c.3099C>T (p.Tyr1033=)

Gene: TSC2 (TSC complex subunit 2; plus strand). Cytogenetic location: 16p13.3.
Variant type: single nucleotide variant.
Coding change: c.3099C>T on transcript NM_000548.5 (MANE Select); coding-DNA position 3099, C replaced by T.
Protein change: p.Tyr1033=; no amino-acid change (tyrosine 1033 retained).
Molecular consequence: synonymous variant.
Genome position (GRCh38, 1-based): chr16:2,079,164, C>T. VCF-style: chr16-2079164-C-T. GRCh37 (hg19) VCF-style: chr16-2129165-C-T.
Other names: c.2967C>T, p.Tyr989= (NM_001077183.3, NM_001370404.1); c.3099C>T, p.Tyr1033= (NM_001114382.3); c.2859C>T, p.Tyr953= (NM_001318827.2); c.2823C>T, p.Tyr941= (NM_001318829.2); c.2367C>T, p.Tyr789= (NM_001318831.2); c.3000C>T, p.Tyr1000= (NM_001318832.2); c.2970C>T, p.Tyr990= (NM_001363528.2, NM_001370405.1, NM_021055.3); c.3099C>T (NM_000548.4).
Identifiers: ClinVar variation 379842 (VCV000379842.35), dbSNP rs45464800, ClinGen allele CA044188.
Genomic context (GRCh38, chr16:2,079,164, plus strand): 5'-TAGCCTGAAAAACCTCCACCTGGAGCTCACGGAAACCTGTCTGGACATGATGGCTCGATA[C>T]GTCTTCTCCAACTTCACGGCTGTCCCGAAGAGGTCCAGGCGGCACTACAGGGCTGGGCGG-3'
Protein context (NP_000539.2, residues 1023-1043): TETCLDMMAR[Tyr1033=]VFSNFTAVPK